The following is an entry in ClinVar:

NC_000023.10:g.(?_41332744)_(41334152_?)del

Gene: NYX (nyctalopin; plus strand). Cytogenetic location: Xp11.4.
Variant type: Deletion.
Identifiers: ClinVar variation 1025245 (VCV001025245.8).

ClinVar aggregate classification (germline): Pathogenic (1 of 4 stars; one submission).

Submission:

Labcorp Genetics (formerly Invitae), Labcorp
Classification: Pathogenic. Last evaluated: 2022-02-16. Review status: criteria provided, single submitter. Criteria: Invitae Variant Classification Sherloc (09022015). Collection method: clinical testing. Allele origin: germline.
Comment: A similar copy number variant has been observed in individual(s) with congenital stationary night blindness (PMID: 23714322). This variant is a gross deletion of the genomic region encompassing exon(s) 2 of the NYX gene, which includes the termination codon. This deletion extends beyond the assayed region for this gene and therefore may encompass additional genes. While this deletion is not anticipated to lead to nonsense mediated decay, it is expected to alter mRNA translation or result in a truncated protein product. This variant disrupts a region of the NYX protein in which other variant(s) (p.Cys362*) have been determined to be pathogenic (Invitae). This suggests that this is a clinically significant region of the protein, and that variants that disrupt it are likely to be disease-causing. For these reasons, this variant has been classified as Pathogenic.

Literature cited by the submitters: PubMed 23714322.